The following is an entry in ClinVar:

ClinVar aggregate classification (germline): Pathogenic (1 of 4 stars; one submission).

Submission:

Quest Diagnostics Nichols Institute San Juan Capistrano
Classification: Pathogenic. Last evaluated: 2021-06-01. Review status: criteria provided, single submitter. Criteria: ACMG/ClinGen CNV Guidelines, 2019. Collection method: clinical testing. Allele origin: unknown.
Comment: This deletion interval involves exons 3-4 of 31 of MED13L (NM_015335.5; OMIM 608771). Haploinsufficiency of MED13L via pathogenic heterozygous sequence variants and deletions (mostly de novo) causes autosomal dominant intellectual disability and distinctive facial features with or without cardiac defects (MRFACD) (OMIM 616789) (Asadollahi R et al., Eur J Hum Genet. 2013 Oct;21(10):1100-4. PMID: 23403903; van Haelst et al., Eur J Hum Genet. 2015 Jan;23(1):135-8. PMID: 24781760; Adegbola et al., Eur J Hum Genet. 2015 Oct;23(10):1308-17. PMID: 25758992; Yamamoto et al., Am J Med Genet A. 2017 May;173(5):1264-1269. PMID: 28371282; Cafiero et al., Eur J Hum Genet. 2015 Nov;23(11):1499-504. PMID: 25712080; Eur J Med Genet. 2019 Feb;62(2):129-136. PMID: 29959045; Neurogenetics. 2018 May;19(2):93-103. PMID: 29511999). Additionally, heterozygous missense variants of MED13L have been associated with autosomal dominant dextro-looped transposition of the great arteries-1 (OMIM 608808). However, there is evidence of incomplete penetrance for this phenotype (Muncke et al., Circulation 2003;108(23):2843-50, PMID: 14638541).

GRCh37/hg19 12q24.21(chr12:116503127-116558092)x1

Gene: MED13L (mediator complex subunit 13L; minus strand). Cytogenetic location: 12q24.21.
Variant type: copy number loss.
Change: copy number 1 (one copy instead of two) of chr12:116,503,127-116,558,092 (55.0 kb, GRCh37 coordinates, 1-based), cytogenetic band 12q24.21.
Identifiers: ClinVar variation 815558 (VCV000815558.2).